The following is an entry in ClinVar:

ClinVar aggregate classification (germline): Uncertain significance. Review status: criteria provided, single submitter (1 of 4 stars). 2 submissions from 2 submitters: Uncertain significance (1). 1 of the submissions does not count toward it. Last evaluated 2026-01-16.

Conditions:
Autosomal recessive limb-girdle muscular dystrophy type 2A (LGMDR1). Also called: Calpainopathy; LEYDEN-MOEBIUS MUSCULAR DYSTROPHY; MUSCULAR DYSTROPHY, PELVOFEMORAL; Muscular dystrophy, limb-girdle, type 2A, Amish; Limb-girdle muscular dystrophy, type 2A. Identifiers: Orphanet 267, MedGen C1869123, MONDO:0009675, OMIM 253600. Disease mechanism: loss of function.

Allele frequency attached by ClinVar (database versions not stated): ExAC 0.00001; gnomAD 0.00001 and 0.00002; gnomAD exomes 0.00001; TOPMed 0.00002; 1000 Genomes Project 30x 0.00031; 1000 Genomes Project 0.00040.
gnomAD v4.1: 17 of 1,614,068 alleles (0.0011%); highest among the groups gnomAD compares: Non-Finnish European, 0.0014%; no homozygotes.

Submissions (4):

Labcorp Genetics (formerly Invitae), Labcorp
Classification: Uncertain significance for Autosomal recessive limb-girdle muscular dystrophy type 2A. Last evaluated: 2026-01-16. Review status: criteria provided, single submitter. Criteria: Invitae Variant Classification Sherloc (09022015). Collection method: clinical testing. Allele origin: germline.
Comment: This sequence change falls in intron 12 of the CAPN3 gene. It does not directly change the encoded amino acid sequence of the CAPN3 protein. It affects a nucleotide within the consensus splice site. This variant is present in population databases (rs187600280, gnomAD 0.0009%). This variant has not been reported in the literature in individuals affected with CAPN3-related conditions. ClinVar contains an entry for this variant (Variation ID: 1036902). Variants that disrupt the consensus splice site are a relatively common cause of aberrant splicing (PMID: 17576681, 9536098). Algorithms developed to predict the effect of sequence changes on RNA splicing suggest that this variant may disrupt the consensus splice site. In summary, the available evidence is currently insufficient to determine the role of this variant in disease. Therefore, it has been classified as a Variant of Uncertain Significance.

Natera, Inc.
Classification: Uncertain significance for Limb-girdle muscular dystrophy type 2A. Last evaluated: 2020-11-30. Review status: no assertion criteria provided. Collection method: clinical testing. Allele origin: germline. Not counted in ClinVar's aggregate classification.

Dr. Peter K. Rogan Lab, Western University
No classification provided (evidence only). Condition: Malignant tumor of urinary bladder. Review status: no classification provided. Collection method: in vitro. Allele origin: not applicable. Functional consequence: retained intron. Not counted in ClinVar's aggregate classification.

Dr. Peter K. Rogan Lab, Western University
No classification provided (evidence only). Condition: Malignant tumor of urinary bladder. Review status: no classification provided. Collection method: in vitro. Allele origin: not applicable. Functional consequence: retained intron. Not counted in ClinVar's aggregate classification.

Literature cited by the submitters: PubMed 17576681 (cited by Labcorp Genetics (formerly Invitae), Labcorp); PubMed 9536098 (cited by Labcorp Genetics (formerly Invitae), Labcorp).

NM_000070.3(CAPN3):c.1537-3C>G

Gene: CAPN3 (calpain 3; plus strand). Cytogenetic location: 15q15.1.
Variant type: single nucleotide variant.
Coding change: c.1537-3C>G on transcript NM_000070.3 (MANE Select); 3 bases into the intron before coding-DNA position 1537, C replaced by G.
Molecular consequence: intron variant.
Genome position (GRCh38, 1-based): chr15:42,402,791, C>G. VCF-style: chr15-42402791-C-G. GRCh37 (hg19) VCF-style: chr15-42694989-C-G.
Other names: c.1537-3C>G (NM_024344.2); c.1393-3C>G (NM_173087.2); c.1-3C>G (NM_173088.2).
Identifiers: ClinVar variation 1036902 (VCV001036902.11), dbSNP rs187600280, ClinGen allele CA7511429.